The following is an entry in ClinVar:

ClinVar aggregate classification (germline): Uncertain significance. Review status: criteria provided, multiple submitters, no conflicts (2 of 4 stars). 2 submissions from 2 submitters: Uncertain significance (2). Last evaluated 2025-11-09.

Conditions:
Hereditary sensory neuropathy-deafness-dementia syndrome. Also called: HSN IE; NEUROPATHY, HEREDITARY SENSORY, WITH HEARING LOSS AND DEMENTIA; Hereditary Sensory and Autonomic Neuropathy Type 1E (HSAN1E); Hereditary sensory neuropathy type IE. Identifiers: Orphanet 456318, MedGen C3279885, MONDO:0013584, OMIM 614116.
DNMT1-related disorder. Also called: DNMT1-related condition. Identifiers: MedGen CN381527.

gnomAD v4.1: 1 of 1,614,130 alleles (0.000062%); highest among the groups gnomAD compares: Non-Finnish European, 0.000085%; no homozygotes.

Submissions (2):

PreventionGenetics, part of Exact Sciences
Classification: Uncertain significance for DNMT1-related condition. Last evaluated: 2025-11-09. Review status: criteria provided, single submitter. Criteria: ACMG Guidelines, 2015. Collection method: clinical testing. Allele origin: germline.
Comment: The DNMT1 c.2182A>T variant is predicted to result in the amino acid substitution p.Met728Leu. To our knowledge, this variant has not been reported in the literature or in a large population database (gnomAD), indicating this variant is rare. At this time, the clinical significance of this variant is uncertain due to the absence of conclusive functional and genetic evidence.

Labcorp Genetics (formerly Invitae), Labcorp
Classification: Uncertain significance for Hereditary sensory neuropathy-deafness-dementia syndrome. Last evaluated: 2025-11-04. Review status: criteria provided, single submitter. Criteria: Invitae Variant Classification Sherloc (09022015). Collection method: clinical testing. Allele origin: germline.
Comment: This sequence change replaces methionine, which is neutral and non-polar, with leucine, which is neutral and non-polar, at codon 728 of the DNMT1 protein (p.Met728Leu). This variant is not present in population databases (gnomAD no frequency). This variant has not been reported in the literature in individuals affected with DNMT1-related conditions. Invitae Evidence Modeling of protein sequence and biophysical properties (such as structural, functional, and spatial information, amino acid conservation, physicochemical variation, residue mobility, and thermodynamic stability) indicates that this missense variant is not expected to disrupt DNMT1 protein function with a negative predictive value of 80%. In summary, the available evidence is currently insufficient to determine the role of this variant in disease. Therefore, it has been classified as a Variant of Uncertain Significance.

NM_001130823.3(DNMT1):c.2182A>T (p.Met728Leu)

Gene: DNMT1 (DNA methyltransferase 1; minus strand). Cytogenetic location: 19p13.2.
Variant type: single nucleotide variant.
Coding change: c.2182A>T on transcript NM_001130823.3 (MANE Select); coding-DNA position 2182, A replaced by T.
Protein change: p.Met728Leu; replaces methionine 728 with leucine.
Molecular consequence: missense variant.
Genome position (GRCh38, 1-based): chr19:10,151,481, T>A on the plus strand (A>T on the coding strand, the complement: DNMT1 is on the minus strand). VCF-style: chr19-10151481-T-A. GRCh37 (hg19) VCF-style: chr19-10262157-T-A.
Other names: c.2134A>T, p.Met712Leu (NM_001318730.2, NM_001379.4); c.1819A>T, p.Met607Leu (NM_001318731.2); c.2182A>T (NM_001130823.2); short protein forms M607L, M712L, M728L.
Identifiers: ClinVar variation 4811966 (VCV004811966.2).
Genomic context (GRCh38, chr19:10,151,481, plus strand): 5'-AGATGCGATTCTTGTTCTGTTTCTTCTTCTTCCCCTGGTGCATTTTTTTGGGTGACGGCA[T>A]CTCTGGGATGTTATCATCGACTTCCTCATCGTCATCTGCCTCCTTCATGGCCATATTGGG-3'
Protein context (NP_001124295.1, residues 718-738): DEEVDDNIPE[Met728Leu]PSPKKMHQGK